The following is an entry in ClinVar:

ClinVar aggregate classification (germline): Uncertain significance. Review status: criteria provided, multiple submitters, no conflicts (2 of 4 stars). 6 submissions from 6 submitters: Uncertain significance (6). Last evaluated 2025-08-04.

Conditions:
Monogenic diabetes. Identifiers: Orphanet 183625, MedGen C3888631, MONDO:0015967.
Maturity-onset diabetes of the young (MODY). Also called: Maturity onset diabetes mellitus in young. Identifiers: Orphanet 552, MedGen C0342276, MONDO:0018911, HP:0004904.
Maturity-onset diabetes of the young type 4 (MODY4). Also called: Maturity-onset diabetes of the young, type IV; MODY, type IV. Identifiers: Orphanet 552, MedGen C1833382, MONDO:0011667, OMIM 606392.

Allele frequency attached by ClinVar (database versions not stated): gnomAD exomes 0.00003; TOPMed 0.00008; gnomAD 0.00009 and 0.00010.
gnomAD v4.1: 22 of 1,549,844 alleles (0.0014%); highest among the groups gnomAD compares: African/African-American, 0.025%; no homozygotes.

Submissions (6):

Labcorp Genetics (formerly Invitae), Labcorp
Classification: Uncertain significance. Last evaluated: 2025-08-04. Review status: criteria provided, single submitter. Criteria: Invitae Variant Classification Sherloc (09022015). Collection method: clinical testing. Allele origin: germline.
Comment: This sequence change replaces alanine, which is neutral and non-polar, with threonine, which is neutral and polar, at codon 10 of the PDX1 protein (p.Ala10Thr). The frequency data for this variant in the population databases is considered unreliable, as metrics indicate poor data quality at this position in the gnomAD database. This variant has not been reported in the literature in individuals affected with PDX1-related conditions. ClinVar contains an entry for this variant (Variation ID: 447924). Invitae Evidence Modeling of protein sequence and biophysical properties (such as structural, functional, and spatial information, amino acid conservation, physicochemical variation, residue mobility, and thermodynamic stability) indicates that this missense variant is not expected to disrupt PDX1 protein function with a negative predictive value of 95%. In summary, the available evidence is currently insufficient to determine the role of this variant in disease. Therefore, it has been classified as a Variant of Uncertain Significance.

Molecular Genetics, Royal Melbourne Hospital
Classification: Uncertain significance for Maturity-onset diabetes of the young type 4. Last evaluated: 2021-04-09. Review status: criteria provided, single submitter. Criteria: ACMG Guidelines, 2015. Collection method: clinical testing. Allele origin: germline. Affected: yes.
Comment: This sequence change is predicted to replace alanine with threonine at codon 10 of the PDX1 protein (p.(Ala10Thr)). The alanine residue is weakly conserved (100 vertebrates, UCSC), and is not located in a known functional domain. There is a small physicochemical difference between alanine and threonine. The variant is present in a large population cohort at a frequency of 0.004% (rs936474667, 8/178,290 alleles, 0 homozygotes in gnomAD v2.1). It has been reported as a variant of uncertain significance (ClinVar). Multiple lines of computational evidence predict a benign effect for the missense substitution (5/6 algorithms). Based on the classification scheme RMH Modified ACMG Guidelines v1.3.2, this variant is classified as a VARIANT OF UNCERTAIN SIGNIFICANCE. Following criteria are met: BP4.

GeneDx
Classification: Uncertain significance. Last evaluated: 2020-01-20. Review status: criteria provided, single submitter. Criteria: GeneDx Variant Classification Process June 2021. Collection method: clinical testing. Allele origin: germline. Affected: yes.
Comment: In silico analysis, which includes protein predictors and evolutionary conservation, supports that this variant does not alter protein structure/function; Has not been previously published as pathogenic or benign to our knowledge; This variant is associated with the following publications: (PMID: 32041611)

Personalized Diabetes Medicine Program, University of Maryland School of Medicine
Classification: Uncertain significance for Monogenic diabetes. Last evaluated: 2019-02-08. Review status: criteria provided, single submitter. Criteria: ACMG Guidelines, 2015. Collection method: research. Allele origin: unknown. Observed: 1 variant allele, 1 heterozygote.
Comment: ACMG criteria: BP4 (REVEL 0.132 + 7 predictors), PM2 = VUS

Athena Diagnostics
Classification: Uncertain significance. Last evaluated: 2017-06-14. Review status: criteria provided, single submitter. Criteria: Athena Diagnostics Criteria. Collection method: clinical testing. Allele origin: germline.

Ambry Genetics
Classification: Uncertain significance for Maturity-onset diabetes of the young. Last evaluated: 2016-08-24. Review status: criteria provided, single submitter. Criteria: Ambry Variant Classification Scheme 2023. Collection method: clinical testing. Allele origin: germline.
Comment: The p.A10T variant (also known as c.28G>A), located in coding exon 1 of the PDX1 gene, results from a G to A substitution at nucleotide position 28. The alanine at codon 10 is replaced by threonine, an amino acid with similar properties. This variant was not reported in population based cohorts in the following databases: Database of Single Nucleotide Polymorphisms (dbSNP), NHLBI Exome Sequencing Project (ESP), and 1000 Genomes Project. This position was not covered in the ESP. This amino acid position is well conserved in available vertebrate species. In addition, this alteration is predicted to be tolerated by in silico analysis. Since supporting evidence is limited at this time, the clinical significance of this alteration remains unclear.

NM_000209.4(PDX1):c.28G>A (p.Ala10Thr)

Gene: PDX1 (pancreatic and duodenal homeobox 1; plus strand). Cytogenetic location: 13q12.2.
Variant type: single nucleotide variant.
Coding change: c.28G>A on transcript NM_000209.4 (MANE Select); coding-DNA position 28, G replaced by A.
Protein change: p.Ala10Thr; replaces alanine 10 with threonine.
Molecular consequence: missense variant.
Genome position (GRCh38, 1-based): chr13:27,920,166, G>A. VCF-style: chr13-27920166-G-A. GRCh37 (hg19) VCF-style: chr13-28494303-G-A.
Other names: short protein forms A10T.
Identifiers: ClinVar variation 447924 (VCV000447924.13), dbSNP rs936474667, ClinGen allele CA247262880.